The following is an entry in ClinVar:

NM_000059.4(BRCA2):c.786A>G (p.Ala262=)

Gene: BRCA2 (BRCA2 DNA repair associated; plus strand). Cytogenetic location: 13q13.1.
Variant type: single nucleotide variant.
Coding change: c.786A>G on transcript NM_000059.4 (MANE Select); coding-DNA position 786, A replaced by G.
Protein change: p.Ala262=; no amino-acid change (alanine 262 retained).
Molecular consequence: synonymous variant. On other transcripts: non-coding transcript variant (1).
Genome position (GRCh38, 1-based): chr13:32,331,023, A>G. VCF-style: chr13-32331023-A-G. GRCh37 (hg19) VCF-style: chr13-32905160-A-G.
Other names: c.786A>G, p.Ala262= (NM_001406719.1, NM_001406720.1, NM_001406721.1); c.417A>G, p.Ala139= (NM_001406722.1).
Identifiers: ClinVar variation 3071664 (VCV003071664.2), dbSNP rs2137462293, ClinGen allele CA483274553.
Genomic context (GRCh38, chr13:32,331,023, plus strand): 5'-AAATGATAGATTTATCGCTTCTGTGACAGACAGTGAAAACACAAATCAAAGAGAAGCTGC[A>G]AGTCATGGTAAGTCCTCTGTTTAGTTGAACTACAGGTTTTTTTGTTGTTGTTGTTTTGAT-3'
Protein context (NP_000050.3, residues 252-272): DSENTNQREA[Ala262=]SHGFGKTSGN

ClinVar aggregate classification (germline): Likely benign. Review status: criteria provided, multiple submitters, no conflicts (2 of 4 stars). 2 submissions from 2 submitters: Likely benign (2). Last evaluated 2025-11-23.

Conditions:
Breast-ovarian cancer, familial, susceptibility to, 2 (BROVCA2). Also called: BRCA2 Hereditary Breast and Ovarian Cancer. Identifiers: Orphanet 145, MedGen C2675520, MONDO:0012933, OMIM 612555. Disease mechanism: loss of function.
Hereditary breast ovarian cancer syndrome. Also called: Hereditary breast and ovarian cancer syndrome; Hereditary breast and ovarian cancer syndrome (HBOC); Hereditary breast and ovarian cancer; Breast and ovarian cancer; Hereditary breast and/or ovarian cancer syndrome; BRCA1- and BRCA2-Associated Hereditary Breast and Ovarian Cancer. Identifiers: Orphanet 145, MedGen C0677776, MeSH D061325, MONDO:0003582. Disease mechanism: loss of function.

Submissions (2):

Labcorp Genetics (formerly Invitae), Labcorp
Classification: Likely benign for Hereditary breast ovarian cancer syndrome. Last evaluated: 2025-11-23. Review status: criteria provided, single submitter. Criteria: Invitae Variant Classification Sherloc (09022015). Collection method: clinical testing. Allele origin: germline.

All of Us Research Program, National Institutes of Health
Classification: Likely benign for Breast-ovarian cancer, familial, susceptibility to, 2. Last evaluated: 2023-06-08. Review status: criteria provided, single submitter. Criteria: ACMG Guidelines, 2015. Collection method: clinical testing. Allele origin: germline. Inheritance: Autosomal dominant inheritance. Observed: 1 variant allele, 1 heterozygote.
Comment: This study involves interpretation of variants in research participants for the purpose of population health screening. Participant phenotype was not available at the time of variant classification. Additional details can be found in publication PMID: 35346344, PMCID: PMC8962531